The following is an entry in ClinVar:

ClinVar aggregate classification (germline): Uncertain significance (1 of 4 stars; one submission).

Conditions:
Pyruvate dehydrogenase E2 deficiency (PDHDD). Also called: LACTIC ACIDEMIA DUE TO DEFECT OF E2 LIPOYL TRANSACETYLASE OF THE PYRUVATE DEHYDROGENASE COMPLEX; Dihydrolipoamide Acetyltransferase (E2) Deficiency. Identifiers: Orphanet 765, Orphanet 79244, MedGen C1855565, MONDO:0009502, OMIM 245348.

Submission:

Labcorp Genetics (formerly Invitae), Labcorp
Classification: Uncertain significance for Pyruvate dehydrogenase E2 deficiency. Last evaluated: 2021-05-20. Review status: criteria provided, single submitter. Criteria: Invitae Variant Classification Sherloc (09022015). Collection method: clinical testing. Allele origin: germline.
Comment: In summary, the available evidence is currently insufficient to determine the role of this variant in disease. Therefore, it has been classified as a Variant of Uncertain Significance. This variant has not been reported in the literature in individuals with DLAT-related conditions. This variant is a gross deletion of the genomic region encompassing exon(s) 1-11 of the DLAT gene, which includes the initiator codon. The 5' end of this event is unknown as it extends beyond the assayed region for this gene and therefore may encompass additional genes. The 3' boundary is likely confined to intron 11 of the DLAT gene. It is expected to result in an absent or disrupted protein product. However, the current clinical and genetic evidence is not sufficient to establish whether loss-of-function variants in DLAT cause disease.

NC_000011.9:g.(?_111896177)_(111922093_?)del

Gene: DLAT (dihydrolipoamide S-acetyltransferase; plus strand). Cytogenetic location: 11q23.1.
Variant type: Deletion.
Identifiers: ClinVar variation 832069 (VCV000832069.5).